The following is an entry in ClinVar:

ClinVar aggregate classification (germline): Uncertain significance (1 of 4 stars; one submission).

Conditions:
Primary ciliary dyskinesia. Also called: Ciliary dyskinesia. Identifiers: Orphanet 244, MedGen C0008780, MONDO:0016575, HP:0012265.

Submission:

Labcorp Genetics (formerly Invitae), Labcorp
Classification: Uncertain significance for Primary ciliary dyskinesia. Last evaluated: 2022-08-15. Review status: criteria provided, single submitter. Criteria: Invitae Variant Classification Sherloc (09022015). Collection method: clinical testing. Allele origin: germline.
Comment: This sequence change replaces alanine, which is neutral and non-polar, with valine, which is neutral and non-polar, at codon 4388 of the DNAH11 protein (p.Ala4388Val). In summary, the available evidence is currently insufficient to determine the role of this variant in disease. Therefore, it has been classified as a Variant of Uncertain Significance. Algorithms developed to predict the effect of sequence changes on RNA splicing suggest that this variant may disrupt the consensus splice site. Algorithms developed to predict the effect of missense changes on protein structure and function are either unavailable or do not agree on the potential impact of this missense change (SIFT: "Deleterious"; PolyPhen-2: "Probably Damaging"; Align-GVGD: "Class C0"). ClinVar contains an entry for this variant (Variation ID: 410840). This variant has not been reported in the literature in individuals affected with DNAH11-related conditions. This variant is not present in population databases (gnomAD no frequency).

NM_001277115.2(DNAH11):c.13163C>T (p.Ala4388Val)

Gene: DNAH11 (dynein axonemal heavy chain 11; plus strand). Cytogenetic location: 7p15.3.
Variant type: single nucleotide variant.
Coding change: c.13163C>T on transcript NM_001277115.2 (MANE Select); coding-DNA position 13163, C replaced by T.
Protein change: p.Ala4388Val; replaces alanine 4388 with valine.
Molecular consequence: missense variant.
Genome position (GRCh38, 1-based): chr7:21,899,980, C>T. VCF-style: chr7-21899980-C-T. GRCh37 (hg19) VCF-style: chr7-21939598-C-T.
Other names: short protein forms A4388V.
Identifiers: ClinVar variation 410840 (VCV000410840.9), dbSNP rs1060503058, ClinGen allele CA16612235.
Genomic context (GRCh38, chr7:21,899,980, plus strand): 5'-CTCCCGGGAACCTTACATGCAACACTTTTATCCTATTCAATTTTTGTTATATTTCCAAAG[C>T]AATCATGCAGACGATGGCTCGAAAAAATGAGTGGCCCCTGGATAAAACGCGCTTGACTGC-3'
Protein context (NP_001264044.1, residues 4378-4398): GFFNPQSFLT[Ala4388Val]IMQTMARKNE